The following is an entry in ClinVar:

NM_015046.7(SETX):c.2543T>G (p.Val848Gly)

Gene: SETX (senataxin; minus strand). Cytogenetic location: 9q34.13.
Variant type: single nucleotide variant.
Coding change: c.2543T>G on transcript NM_015046.7 (MANE Select); coding-DNA position 2543, T replaced by G.
Protein change: p.Val848Gly; replaces valine 848 with glycine.
Molecular consequence: missense variant.
Genome position (GRCh38, 1-based): chr9:132,329,055, A>C on the plus strand (T>G on the coding strand, the complement: SETX is on the minus strand). VCF-style: chr9-132329055-A-C. GRCh37 (hg19) VCF-style: chr9-135204442-A-C.
Other names: c.2543T>G, p.Val848Gly (NM_001351527.2, NM_001351528.2); short protein forms V848G.
Identifiers: ClinVar variation 1311324 (VCV001311324.14), dbSNP rs567711722, ClinGen allele CA5297573.

ClinVar aggregate classification (germline): Conflicting classifications of pathogenicity. Review status: criteria provided, conflicting classifications (1 of 4 stars). 6 submissions from 6 submitters: Uncertain significance (5); Benign (1). Last evaluated 2026-01-05.

Conditions:
SETX-related disorder. Also called: SETX-related condition; SETX-related disorders. Identifiers: MedGen CN239403.
Hereditary spastic paraplegia. Also called: Familial spastic paraparesis. Identifiers: Orphanet 685, MedGen C0037773, MONDO:0019064. Disease mechanism: loss of function.
Amyotrophic lateral sclerosis type 4 (ALS4). Also called: AMYOTROPHIC LATERAL SCLEROSIS 4, JUVENILE; NEURONOPATHY, DISTAL HEREDITARY MOTOR, WITH PYRAMIDAL FEATURES. Identifiers: Orphanet 357043, MedGen C1865409, MONDO:0011223, OMIM 602433.
Spinocerebellar ataxia, autosomal recessive, with axonal neuropathy 2 (SCAN2). Also called: Ataxia-ocular apraxia-2; Ataxia with Oculomotor Apraxia; Ataxia with Oculomotor Apraxia Type 2; ATAXIA-OCULOMOTOR APRAXIA 2. Identifiers: Orphanet 64753, MedGen C1853761, MONDO:0018996, OMIM 606002.

Allele frequency attached by ClinVar (database versions not stated): ExAC 0.00002; TOPMed 0.00002; gnomAD 0.00003 and 0.00004; gnomAD exomes 0.00003 and 0.00005; 1000 Genomes Project 30x 0.00016.
gnomAD v4.1: 77 of 1,609,680 alleles (0.0048%); highest among the groups gnomAD compares: South Asian, 0.013%; no homozygotes.

Submissions (6):

Women's Health and Genetics/Laboratory Corporation of America, LabCorp
Classification: Uncertain significance. Last evaluated: 2026-01-05. Review status: criteria provided, single submitter. Criteria: LabCorp Variant Classification Summary - May 2015. Collection method: clinical testing. Allele origin: germline.
Comment: Variant summary: SETX c.2543T>G (p.Val848Gly) results in a non-conservative amino acid change in the encoded protein sequence. Algorithms developed to predict the effect of missense changes on protein structure and function are either unavailable or do not agree on the potential impact of this missense change. The variant allele was found at a frequency of 2.9e-05 in 245582 control chromosomes. The available data on variant occurrences in the general population are insufficient to allow any conclusion about variant significance. To our knowledge, no occurrence of c.2543T>G in individuals affected with SETX-related conditions and no experimental evidence demonstrating its impact on protein function have been reported. ClinVar contains an entry for this variant (Variation ID: 1311324). Based on the evidence outlined above, the variant was classified as uncertain significance.

GeneDx
Classification: Uncertain significance. Last evaluated: 2025-08-09. Review status: criteria provided, single submitter. Criteria: GeneDx Variant Classification Process June 2021. Collection method: clinical testing. Allele origin: germline. Affected: yes.
Comment: In silico analysis suggests that this missense variant does not alter protein structure/function; Has not been previously published as pathogenic or benign to our knowledge

PreventionGenetics, part of Exact Sciences
Classification: Uncertain significance for SETX-related condition. Last evaluated: 2025-07-28. Review status: criteria provided, single submitter. Criteria: ACMG Guidelines, 2015. Collection method: clinical testing. Allele origin: germline.
Comment: The SETX c.2543T>G variant is predicted to result in the amino acid substitution p.Val848Gly. To our knowledge, this variant has not been reported in the literature. This variant is reported in 0.010% of alleles in individuals of East Asian descent in gnomAD. At this time, the clinical significance of this variant is uncertain due to the absence of conclusive functional and genetic evidence.

Labcorp Genetics (formerly Invitae), Labcorp
Classification: Benign for Amyotrophic lateral sclerosis type 4; Spinocerebellar ataxia, autosomal recessive, with axonal neuropathy 2. Last evaluated: 2022-09-25. Review status: criteria provided, single submitter. Criteria: Invitae Variant Classification Sherloc (09022015). Collection method: clinical testing. Allele origin: germline.

Genome Diagnostics Laboratory, The Hospital for Sick Children
Classification: Uncertain significance for Hereditary spastic paraplegia. Last evaluated: 2018-08-01. Review status: criteria provided, single submitter. Criteria: ACMG Guidelines, 2015. Collection method: clinical testing. Allele origin: germline. Affected: yes.

Neuberg Centre For Genomic Medicine, NCGM
Classification: Uncertain significance for Amyotrophic lateral sclerosis type 4. Review status: criteria provided, single submitter. Criteria: ACMG Guidelines, 2015. Collection method: clinical testing. Allele origin: germline. Inheritance: Autosomal recessive inheritance. Affected: yes.